The following is an entry in ClinVar:

NM_031229.4(RBCK1):c.883G>C (p.Val295Leu)

Gene: RBCK1 (RANBP2-type and C3HC4-type zinc finger containing 1; plus strand). Cytogenetic location: 20p13.
Variant type: single nucleotide variant.
Coding change: c.883G>C on transcript NM_031229.4 (MANE Select); coding-DNA position 883, G replaced by C.
Protein change: p.Val295Leu; replaces valine 295 with leucine.
Molecular consequence: missense variant. On other transcripts: non-coding transcript variant (1), intron variant (2).
Genome position (GRCh38, 1-based): chr20:420,997, G>C. VCF-style: chr20-420997-G-C. GRCh37 (hg19) VCF-style: chr20-401641-G-C.
Other names: c.757G>C, p.Val253Leu (NM_006462.6); c.408-1130G>C (NM_001323956.2, NM_001323958.2); short protein forms V295L, V253L.
Identifiers: ClinVar variation 942807 (VCV000942807.7), dbSNP rs765956229, ClinGen allele CA407928518.
Genomic context (GRCh38, chr20:420,997, plus strand): 5'-CTGAACACGGAGCCCGCCGAGTGCCCCGTGTGCTACTCGGTGCTGGCGCCCGGCGAGGCC[G>C]TGGTGCTGCGTGAGTGTCTGCACACCTTCTGCAGGTGCGGCCCCCAGTCCCACCCCCGGC-3'
Protein context (NP_112506.2, residues 285-305): CYSVLAPGEA[Val295Leu]VLRECLHTFC

ClinVar aggregate classification (germline): Uncertain significance (1 of 4 stars; one submission).

Conditions:
Polyglucosan body myopathy type 1 (PGBM1). Also called: Polyglucosan body myopathy 1 with or without immunodeficiency; POLYGLUCOSAN BODY MYOPATHY WITHOUT IMMUNODEFICIENCY. Identifiers: Orphanet 329173, Orphanet 397937, MedGen C4014605, MONDO:0014389, OMIM 615895.

Submission:

Labcorp Genetics (formerly Invitae), Labcorp
Classification: Uncertain significance for Polyglucosan body myopathy type 1. Last evaluated: 2019-06-29. Review status: criteria provided, single submitter. Criteria: Invitae Variant Classification Sherloc (09022015). Collection method: clinical testing. Allele origin: germline.
Comment: This sequence change replaces valine with leucine at codon 295 of the RBCK1 protein (p.Val295Leu). The valine residue is highly conserved and there is a highly physicochemical difference between valine and leucine. This variant is not present in population databases (ExAC no frequency). This variant has not been reported in the literature in individuals with RBCK1-related conditions. Algorithms developed to predict the effect of missense changes on protein structure and function are either unavailable or do not agree on the potential impact of this missense change (SIFT: "Tolerated"; PolyPhen-2: "Probably Damaging"; Align-GVGD: "Class C0"). In summary, the available evidence is currently insufficient to determine the role of this variant in disease. Therefore, it has been classified as a Variant of Uncertain Significance.